The following is an entry in ClinVar:

NM_014339.7(IL17RA):c.*1686G>A

Gene: IL17RA (interleukin 17 receptor A; plus strand). Cytogenetic location: 22q11.1.
Variant type: single nucleotide variant.
Coding change: c.*1686G>A on transcript NM_014339.7 (MANE Select); 1686 bases downstream of the stop codon, G replaced by A.
Molecular consequence: 3 prime UTR variant.
Genome position (GRCh38, 1-based): chr22:17,111,506, G>A. VCF-style: chr22-17111506-G-A. GRCh37 (hg19) VCF-style: chr22-17592396-G-A.
Other names: c.*1686G>A (NM_001289905.2).
Identifiers: ClinVar variation 340645 (VCV000340645.5), dbSNP rs144428545, ClinGen allele CA10650806.

ClinVar aggregate classification (germline): Likely benign (1 of 4 stars; one submission).

Conditions:
Immunodeficiency 51 (IMD51). Also called: CANDIDIASIS, FAMILIAL, 5. Identifiers: Orphanet 1334, MedGen C4310803, MONDO:0013500, OMIM 613953.

Allele frequency attached by ClinVar (database versions not stated): 1000 Genomes Project 0.00419; 1000 Genomes Project 30x 0.00468; TOPMed 0.00703; gnomAD 0.00760 and 0.00780.

Submission:

Illumina Laboratory Services, Illumina
Classification: Likely benign for Immunodeficiency 51. Last evaluated: 2018-01-13. Review status: criteria provided, single submitter. Criteria: ICSL Variant Classification Criteria 13 December 2019. Collection method: clinical testing. Allele origin: germline.
Comment: This variant was observed in the ICSL laboratory as part of a predisposition screen in an ostensibly healthy population. It had not been previously curated by ICSL or reported in the Human Gene Mutation Database (HGMD: prior to June 1st, 2018), and was therefore a candidate for classification through an automated scoring system. Utilizing variant allele frequency, disease prevalence and penetrance estimates, and inheritance mode, an automated score was calculated to assess if this variant is too frequent to cause the disease. Based on the score and internal cut-off values, a variant classified as likely benign is not then subjected to further curation. The score for this variant resulted in a classification of likely benign for this disease.